The following is an entry in ClinVar:

ClinVar aggregate classification (germline): Likely pathogenic (1 of 4 stars; one submission).

Conditions:
Familial focal epilepsy with variable foci (FPEVF). Identifiers: Orphanet 98820, MedGen C1858477, MONDO:0020310.

Submission:

Labcorp Genetics (formerly Invitae), Labcorp
Classification: Likely pathogenic for Familial focal epilepsy with variable foci. Last evaluated: 2025-08-20. Review status: criteria provided, single submitter. Criteria: Invitae Variant Classification Sherloc (09022015). Collection method: clinical testing. Allele origin: germline.
Comment: This sequence change affects a donor splice site in intron 17 of the DEPDC5 gene. It is expected to disrupt RNA splicing. Variants that disrupt the donor or acceptor splice site typically lead to a loss of protein function (PMID: 16199547), and loss-of-function variants in DEPDC5 are known to be pathogenic (PMID: 23542697, 23542701). This variant is not present in population databases (gnomAD no frequency). This variant has not been reported in the literature in individuals affected with DEPDC5-related conditions. Algorithms developed to predict the effect of sequence changes on RNA splicing suggest that this variant may disrupt the consensus splice site. In summary, the currently available evidence indicates that the variant is pathogenic, but additional data are needed to prove that conclusively. Therefore, this variant has been classified as Likely Pathogenic.

Literature cited by the submitters: PubMed 16199547; PubMed 23542697; PubMed 23542701.

NM_001242896.3(DEPDC5):c.1217+1G>T

Gene: DEPDC5 (DEP domain containing 5, GATOR1 subcomplex subunit; plus strand). Cytogenetic location: 22q12.3.
Variant type: single nucleotide variant.
Coding change: c.1217+1G>T on transcript NM_001242896.3 (MANE Select); the canonical splice donor site of the intron after coding-DNA position 1217, G replaced by T.
Molecular consequence: splice donor variant.
Genome position (GRCh38, 1-based): chr22:31,804,916, G>T. VCF-style: chr22-31804916-G-T. GRCh37 (hg19) VCF-style: chr22-32200902-G-T.
Other names: c.1217+1G>T (NM_001364318.2, NM_001136029.4, NM_014662.6 and 7 more transcripts); c.1133+1G>T (NM_001369902.1, NM_001369901.1).
Identifiers: ClinVar variation 4725707 (VCV004725707.1).
Genomic context (GRCh38, chr22:31,804,916, plus strand): 5'-TGCTCCCCGTGATTCTCGTCTGGGCGATGACTATAATATCCCTCACTGGATAAACCACAG[G>T]TGGGTGCGATCTCGATCAATAGTAGGTGATAAGCGTTTTGAACAGCTTCCTTGCCATTTT-3'